The following is an entry in ClinVar:

NM_001085372.3(UQCC3):c.-41G>C

Genes: LBHD1 (LBH domain containing 1; minus strand), UQCC3 (ubiquinol-cytochrome c reductase complex assembly factor 3; plus strand). Cytogenetic location: 11q12.3.
Variant type: single nucleotide variant.
Coding change: c.-41G>C on transcript NM_001085372.3 (MANE Select); 41 bases upstream of the start codon, G replaced by C.
Molecular consequence: 5 prime UTR variant. On other transcripts: missense variant (4).
Genome position (GRCh38, 1-based): chr11:62,671,705, G>C. VCF-style: chr11-62671705-G-C. GRCh37 (hg19) VCF-style: chr11-62439177-G-C.
Other names: c.-152C>G (NM_001367940.2, NM_024099.5); c.-669C>G (NM_001367941.2); c.43C>G, p.Arg15Gly (NM_001394596.1, NM_001394599.1, NM_001394601.1 and 1 more transcripts); c.-200C>G (NM_001394604.1, NM_001394607.1); c.-345C>G (NM_001394609.1); c.-276C>G (NM_001394611.1); c.-600C>G (NM_001394612.1); short protein forms R15G.
Identifiers: ClinVar variation 509463 (VCV000509463.2), dbSNP rs776099710, ClinGen allele CA6052512.

ClinVar aggregate classification (germline): Likely benign (1 of 4 stars; one submission).

Allele frequency attached by ClinVar (database versions not stated): gnomAD 0.00003; TOPMed 0.00004.
gnomAD v4.1: 8 of 1,606,732 alleles (0.0005%); highest among the groups gnomAD compares: African/African-American, 0.0094%; no homozygotes.

Submission:

GeneDx
Classification: Likely benign. Last evaluated: 2017-05-22. Review status: criteria provided, single submitter. Criteria: GeneDx Variant Classification (06012015). Collection method: clinical testing. Allele origin: germline. Affected: yes.
Comment: This variant is considered likely benign or benign based on one or more of the following criteria: it is a conservative change, it occurs at a poorly conserved position in the protein, it is predicted to be benign by multiple in silico algorithms, and/or has population frequency not consistent with disease.